The following is an entry in ClinVar:

NM_139076.3(ABRAXAS1):c.948T>G (p.His316Gln)

Gene: ABRAXAS1 (abraxas 1, BRCA1 A complex subunit; minus strand). Cytogenetic location: 4q21.23.
Variant type: single nucleotide variant.
Coding change: c.948T>G on transcript NM_139076.3 (MANE Select); coding-DNA position 948, T replaced by G.
Protein change: p.His316Gln; replaces histidine 316 with glutamine.
Molecular consequence: missense variant.
Genome position (GRCh38, 1-based): chr4:83,462,751, A>C on the plus strand (T>G on the coding strand, the complement: ABRAXAS1 is on the minus strand). VCF-style: chr4-83462751-A-C. GRCh37 (hg19) VCF-style: chr4-84383904-A-C.
Other names: c.621T>G, p.His207Gln (NM_001345962.2); short protein forms H207Q, H316Q.
Identifiers: ClinVar variation 3332254 (VCV003332254.1).

ClinVar aggregate classification (germline): Uncertain significance (1 of 4 stars; one submission).

gnomAD v4.1: 17 of 1,613,980 alleles (0.0011%); highest among the groups gnomAD compares: Non-Finnish European, 0.0014%; no homozygotes.

Submission:

Ambry Genetics
Classification: Uncertain significance. Last evaluated: 2024-03-25. Review status: criteria provided, single submitter. Criteria: Ambry Variant Classification Scheme 2023. Collection method: clinical testing. Allele origin: germline.
Comment: The p.H316Q variant (also known as c.948T>G), located in coding exon 9 of the FAM175A gene, results from a T to G substitution at nucleotide position 948. The histidine at codon 316 is replaced by glutamine, an amino acid with highly similar properties. This amino acid position is conserved. In addition, this alteration is predicted to be tolerated by in silico analysis. Based on the available evidence, the clinical significance of this alteration remains unclear.